The following is an entry in ClinVar:

NM_024422.6(DSC2):c.880C>A (p.Leu294Ile)

Gene: DSC2 (desmocollin 2; minus strand). Cytogenetic location: 18q12.1.
Variant type: single nucleotide variant.
Coding change: c.880C>A on transcript NM_024422.6 (MANE Select); coding-DNA position 880, C replaced by A.
Protein change: p.Leu294Ile; replaces leucine 294 with isoleucine.
Molecular consequence: missense variant.
Genome position (GRCh38, 1-based): chr18:31,086,638, G>T on the plus strand (C>A on the coding strand, the complement: DSC2 is on the minus strand). VCF-style: chr18-31086638-G-T. GRCh37 (hg19) VCF-style: chr18-28666601-G-T.
Other names: c.880C>A, p.Leu294Ile (NM_004949.5); short protein forms L294I.
Identifiers: ClinVar variation 569544 (VCV000569544.11), dbSNP rs761796202, ClinGen allele CA040436.

ClinVar aggregate classification (germline): Uncertain significance. Review status: criteria provided, multiple submitters, no conflicts (2 of 4 stars). 3 submissions from 3 submitters: Uncertain significance (3). Last evaluated 2025-08-30.

Conditions:
Cardiomyopathy (CMYO). Also called: Cardiomyopathies. Identifiers: Orphanet 167848, MedGen C0878544, MONDO:0004994, HP:0001638. Inheritance: Various modes of inheritance.
Arrhythmogenic right ventricular dysplasia 11. Also called: Arrhythmogenic right ventricular dysplasia 11 with mild palmoplantar keratoderma and woolly hair; Arrhythmogenic Right Ventricular Dysplasia/Cardiomyopathy11; ARRHYTHMOGENIC RIGHT VENTRICULAR DYSPLASIA, FAMILIAL, 11. Identifiers: MedGen C1864850, MONDO:0012506, OMIM 610476.

Allele frequency attached by ClinVar (database versions not stated): gnomAD exomes below 0.00001; TOPMed 0.00001; gnomAD 0.00001; ExAC 0.00001.
gnomAD v4.1: 2 of 1,614,038 alleles (0.00012%); highest among the groups gnomAD compares: Non-Finnish European, 0.00017%; no homozygotes.

Submissions (3):

Color Diagnostics, LLC DBA Color Health
Classification: Uncertain significance for Cardiomyopathy. Last evaluated: 2025-08-30. Review status: criteria provided, single submitter. Criteria: ACMG Guidelines, 2015. Collection method: clinical testing. Allele origin: germline.
Comment: This missense variant replaces leucine with isoleucine at codon 294 of the DSC2 protein. Computational prediction suggests that this variant may not impact protein structure and function. To our knowledge, functional studies have not been reported for this variant. This variant has not been reported in individuals affected with DSC2-related disorders in the literature. This variant has been identified in 1/251428 chromosomes in the general population by the Genome Aggregation Database (gnomAD). The available evidence is insufficient to determine the role of this variant in disease conclusively. Therefore, this variant is classified as a Variant of Uncertain Significance.

Labcorp Genetics (formerly Invitae), Labcorp
Classification: Uncertain significance for Arrhythmogenic right ventricular dysplasia 11. Last evaluated: 2022-02-03. Review status: criteria provided, single submitter. Criteria: Invitae Variant Classification Sherloc (09022015). Collection method: clinical testing. Allele origin: germline.
Comment: In summary, the available evidence is currently insufficient to determine the role of this variant in disease. Therefore, it has been classified as a Variant of Uncertain Significance. Algorithms developed to predict the effect of missense changes on protein structure and function are either unavailable or do not agree on the potential impact of this missense change (SIFT: "Tolerated"; PolyPhen-2: "Probably Damaging"; Align-GVGD: "Class C0"). ClinVar contains an entry for this variant (Variation ID: 569544). This variant has not been reported in the literature in individuals affected with DSC2-related conditions. This variant is present in population databases (rs761796202, gnomAD 0.0009%). This sequence change replaces leucine, which is neutral and non-polar, with isoleucine, which is neutral and non-polar, at codon 294 of the DSC2 protein (p.Leu294Ile).

GeneDx
Classification: Uncertain significance. Last evaluated: 2019-05-10. Review status: criteria provided, single submitter. Criteria: GeneDx Variant Classification Process June 2021. Collection method: clinical testing. Allele origin: germline. Affected: yes.
Comment: Has not been previously published as pathogenic or benign to our knowledge; Reported in ClinVar as a variant of uncertain significance but additional evidence is not available (ClinVar Variant ID# 569544; Landrum et al., 2016); Not observed at a significant frequency in large population cohorts (Lek et al., 2016); In silico analysis, which includes protein predictors and evolutionary conservation, supports that this variant does not alter protein structure/function